The following is an entry in ClinVar:

ClinVar aggregate classification (germline): Benign (1 of 4 stars; one submission).

Conditions:
Isovaleryl-CoA dehydrogenase deficiency (IVA). Also called: ISOVALERIC ACID CoA DEHYDROGENASE DEFICIENCY; Isovaleric acidemia; Classic Isovaleric Acidemia; IVD DEFICIENCY. Identifiers: Orphanet 33, MedGen C0268575, MONDO:0009475, OMIM 243500.

Allele frequency attached by ClinVar (database versions not stated): gnomAD exomes 0.00179; gnomAD 0.01375 and 0.01462; 1000 Genomes Project 0.01458; TOPMed 0.01512; 1000 Genomes Project 30x 0.01655.
gnomAD v4.1: 2,355 of 318,254 alleles (0.74%); highest among the groups gnomAD compares: African/African-American, 4.8%; 56 homozygotes.

Submission:

Illumina Laboratory Services, Illumina
Classification: Benign for Isovaleryl-CoA dehydrogenase deficiency. Last evaluated: 2018-01-13. Review status: criteria provided, single submitter. Criteria: ICSL Variant Classification Criteria 13 December 2019. Collection method: clinical testing. Allele origin: germline.
Comment: This variant was observed in the ICSL laboratory as part of a predisposition screen in an ostensibly healthy population. It had not been previously curated by ICSL or reported in the Human Gene Mutation Database (HGMD: prior to June 1st, 2018), and was therefore a candidate for classification through an automated scoring system. Utilizing variant allele frequency, disease prevalence and penetrance estimates, and inheritance mode, an automated score was calculated to assess if this variant is too frequent to cause the disease. Based on the score and internal cut-off values, a variant classified as benign is not then subjected to further curation. The score for this variant resulted in a classification of benign for this disease.

NM_002225.5(IVD):c.*1208G>A

Gene: IVD (isovaleryl-CoA dehydrogenase; plus strand). Cytogenetic location: 15q15.1.
Variant type: single nucleotide variant.
Coding change: c.*1208G>A on transcript NM_002225.5 (MANE Select); 1208 bases downstream of the stop codon, G replaced by A.
Molecular consequence: 3 prime UTR variant. On other transcripts: intron variant (3).
Genome position (GRCh38, 1-based): chr15:40,419,471, G>A. VCF-style: chr15-40419471-G-A. GRCh37 (hg19) VCF-style: chr15-40711670-G-A.
Other names: c.*1208G>A (NM_001159508.3, NM_001354597.3, NM_001354599.3); c.1225+3109G>A (NM_001354600.3); c.1138+3109G>A (NM_001354598.3, NM_001354601.3).
Identifiers: ClinVar variation 887580 (VCV000887580.4), dbSNP rs7165233, ClinGen allele CA268782423.